The following is an entry in ClinVar:

ClinVar aggregate classification (germline): Pathogenic. Review status: criteria provided, multiple submitters, no conflicts (2 of 4 stars). 5 submissions from 5 submitters: Pathogenic (4). 1 of the submissions does not count toward it. Last evaluated 2025-08-25.

Conditions:
FUCA1-related disorder. Also called: FUCA1-related condition.
Fucosidosis. Also called: ALPHA-L-FUCOSIDASE DEFICIENCY. Identifiers: Orphanet 349, MedGen C0016788, MONDO:0009254, OMIM 230000.

Allele frequency attached by ClinVar (database versions not stated): ExAC 0.00002; gnomAD exomes 0.00002; TOPMed 0.00002.
gnomAD v4.1: 36 of 1,614,010 alleles (0.0022%); highest among the groups gnomAD compares: Non-Finnish European, 0.0027%; no homozygotes.

Submissions (5):

PreventionGenetics, part of Exact Sciences
Classification: Pathogenic for FUCA1-related condition. Last evaluated: 2025-08-25. Review status: criteria provided, single submitter. Criteria: ACMG Guidelines, 2015. Collection method: clinical testing. Allele origin: germline.
Comment: The FUCA1 c.1279C>T variant is predicted to result in premature protein termination (p.Gln427*). This variant, alternatively referred to as p.Gln422* using legacy nomenclature, has been reported in the homozygous and compound heterozygous states in multiple individuals with fucosidosis (see for examples, Kretz et al. 1989. PubMed ID: 2642067; Yang et al. 1993. PubMed ID: 8399358; Willems et al. 1999. PubMed ID: 10094192). This variant is reported in 0.0044% of alleles in individuals of European (non-Finnish) descent in gnomAD. Nonsense variants in FUCA1 are expected to be pathogenic. This variant is interpreted as pathogenic.

Fulgent Genetics
Classification: Pathogenic for Fucosidosis. Last evaluated: 2024-06-10. Review status: criteria provided, single submitter. Criteria: ACMG Guidelines, 2015. Collection method: clinical testing. Allele origin: germline.

Labcorp Genetics (formerly Invitae), Labcorp
Classification: Pathogenic for Fucosidosis. Last evaluated: 2024-01-19. Review status: criteria provided, single submitter. Criteria: Invitae Variant Classification Sherloc (09022015). Collection method: clinical testing. Allele origin: germline.
Comment: This sequence change creates a premature translational stop signal (p.Gln427*) in the FUCA1 gene. While this is not anticipated to result in nonsense mediated decay, it is expected to disrupt the last 40 amino acid(s) of the FUCA1 protein. This variant is present in population databases (rs118204450, gnomAD 0.004%). This premature translational stop signal has been observed in individual(s) with fucosidosis (PMID: 8401503). It has also been observed to segregate with disease in related individuals. This variant is also known as Q422X. ClinVar contains an entry for this variant (Variation ID: 681). For these reasons, this variant has been classified as Pathogenic.

Women's Health and Genetics/Laboratory Corporation of America, LabCorp
Classification: Pathogenic for Fucosidosis. Last evaluated: 2017-04-06. Review status: criteria provided, single submitter. Criteria: LabCorp Variant Classification Summary - May 2015. Collection method: clinical testing. Allele origin: germline.
Comment: Variant summary: The FUCA1 c.1279C>T (p.Gln427X) variant results in a premature termination codon, predicted to cause a truncated or absent FUCA1 protein due to nonsense mediated decay, which are commonly known mechanisms for disease. One in silico tool predicts a damaging outcome for this variant. This variant was found in 2/121354 control chromosomes at a frequency of 0.0000165, which does not exceed the estimated maximal expected allele frequency of a pathogenic FUCA1 variant (0.001118). This variant has been reported in multiple affected individuals with FUCO. In addition, the fibroblast from patients showed negligible enzyme activity and very low CRIM level for a-L-fucosidase (Seo_1993). Taken together, this variant is classified as pathogenic.

OMIM
Classification: Pathogenic for FUCOSIDOSIS. Last evaluated: 1989-01-01. Review status: no assertion criteria provided. Collection method: literature only. Allele origin: germline. Not counted in ClinVar's aggregate classification.

Literature cited by the submitters: PubMed 8401503 (cited by Labcorp Genetics (formerly Invitae), Labcorp and Women's Health and Genetics/Laboratory Corporation of America, LabCorp); PubMed 10094192 (cited by Women's Health and Genetics/Laboratory Corporation of America, LabCorp); PubMed 9039984 (cited by Women's Health and Genetics/Laboratory Corporation of America, LabCorp); PubMed 2642067 (cited by OMIM).

NM_000147.5(FUCA1):c.1279C>T (p.Gln427Ter)

Gene: FUCA1 (alpha-L-fucosidase 1; minus strand). Cytogenetic location: 1p36.11.
Variant type: single nucleotide variant.
Coding change: c.1279C>T on transcript NM_000147.5 (MANE Select); coding-DNA position 1279, C replaced by T.
Protein change: p.Gln427Ter; replaces glutamine 427 with a stop codon.
Molecular consequence: nonsense.
Genome position (GRCh38, 1-based): chr1:23,845,837, G>A on the plus strand (C>T on the coding strand, the complement: FUCA1 is on the minus strand). VCF-style: chr1-23845837-G-A. GRCh37 (hg19) VCF-style: chr1-24172327-G-A.
Other names: FUCA1, GLN351TER; short protein forms Q427*.
Identifiers: ClinVar variation 681 (VCV000000681.11), dbSNP rs118204450, ClinGen allele CA114434.